The following continues an entry in ClinVar:

NM_000500.9(CYP21A2):c.923dup (p.Leu308fs)

ClinVar aggregate classification (germline): Pathogenic/Likely pathogenic. Pathogenic (15); Likely pathogenic (1).

Submissions 12 to 18 of 18:

Newborn Screening Ontario, Children's Hospital of Eastern Ontario (CHEO)
Classification: Pathogenic for 21-Hydroxylase-Deficient Congenital Adrenal Hyperplasia. Last evaluated: 2022-11-09. Review status: criteria provided, single submitter. Criteria: ACMG Guidelines, 2015. Collection method: clinical testing. Allele origin: germline. Inheritance: Autosomal recessive inheritance.

Revvity Omics, Revvity
Classification: Pathogenic. Last evaluated: 2022-06-23. Review status: criteria provided, single submitter. Criteria: ACMG Guidelines, 2015. Collection method: clinical testing. Allele origin: germline.

Dasa
Classification: Pathogenic for 21-Hydroxylase-Deficient Congenital Adrenal Hyperplasia. Last evaluated: 2022-03-05. Review status: criteria provided, single submitter. Criteria: ACMG Guidelines, 2015. Collection method: clinical testing. Allele origin: germline. Affected: yes. Observed: 1 variant allele.
Comment: The c.923dupT;p.((Leu308Phefs*6) is a null frameshift variant (NMD) in the CYP21A2 gene and predicts alteration of the nonsense-mediate decay - NMD is present in a relevant exon to the transcript - PVS1. This sequence change has been observed in affected individual(s) and ClinVar contains an entry for this variant (ClinVar ID: 65611; PMID: 20301350; PMID: 26206692; PMID: 29035424; PMID: 19169499) - PS4. The p.(Leu308Phefs*6) was detected in trans with a pathogenic variant (PMID: 29035424) - PM3. In summary, the currently available evidence indicates that the variant is pathogenic.

Fulgent Genetics
Classification: Pathogenic for 21-Hydroxylase-Deficient Congenital Adrenal Hyperplasia. Last evaluated: 2021-11-03. Review status: criteria provided, single submitter. Criteria: ACMG Guidelines, 2015. Collection method: clinical testing. Allele origin: unknown.

Clinical Genetics and Genomics, Karolinska University Hospital
Classification: Pathogenic. Last evaluated: 2017-05-23. Review status: criteria provided, single submitter. Criteria: ACMG Guidelines, 2015. Collection method: clinical testing. Allele origin: germline. Affected: yes. Observed: 5 variant alleles.

GeneReviews
Classification: Pathogenic for 21-Hydroxylase-Deficient Congenital Adrenal Hyperplasia. Last evaluated: 2013-08-29. Review status: no assertion criteria provided. Collection method: curation. Allele origin: unknown. Not counted in ClinVar's aggregate classification.
ClinVar note: Converted during submission from pathologic to Pathogenic.

Genomic Medicine Center of Excellence, King Faisal Specialist Hospital and Research Centre
Classification: Uncertain significance for 21-Hydroxylase-Deficient Congenital Adrenal Hyperplasia. Last evaluated: 2024-03-26. Review status: flagged submission. Criteria: ACMG Guidelines, 2015. Collection method: clinical testing. Allele origin: germline. Not counted in ClinVar's aggregate classification.
ClinVar note: Reason: Outlier claim with insufficient supporting evidence

Literature cited by the submitters: PubMed 7635470 (cited by Hema, HEMA – Genetic and Molecular Diagnostic Laboratory and Women's Health and Genetics/Laboratory Corporation of America, LabCorp); PubMed 16427797 (cited by Hema, HEMA – Genetic and Molecular Diagnostic Laboratory and Women's Health and Genetics/Laboratory Corporation of America, LabCorp); PubMed 27185867 (cited by Hema, HEMA – Genetic and Molecular Diagnostic Laboratory and Women's Health and Genetics/Laboratory Corporation of America, LabCorp); PubMed 30995443 (cited by 4 submitters); PubMed 10857554 (cited by Labcorp Genetics (formerly Invitae), Labcorp and Women's Health and Genetics/Laboratory Corporation of America, LabCorp); PubMed 1644925 (cited by 5 submitters); PubMed 26804566 (cited by 4 submitters); PubMed 28392195 (cited by 3 submitters); PubMed 31446012 (cited by 3 submitters); PubMed 28676275 (cited by Athena Diagnostics and Quest Diagnostics Nichols Institute San Juan Capistrano); PubMed 29684512 (cited by Athena Diagnostics and Quest Diagnostics Nichols Institute San Juan Capistrano); PubMed 12915679 (cited by Athena Diagnostics and Quest Diagnostics Nichols Institute San Juan Capistrano); PubMed 11093272 (cited by Athena Diagnostics and Quest Diagnostics Nichols Institute San Juan Capistrano); PubMed 26206692 (cited by Athena Diagnostics and Quest Diagnostics Nichols Institute San Juan Capistrano); PubMed 23359698 (cited by Athena Diagnostics and Quest Diagnostics Nichols Institute San Juan Capistrano); PubMed 35094236 (cited by Athena Diagnostics and Quest Diagnostics Nichols Institute San Juan Capistrano); PubMed 35079965 (cited by 3 submitters); PubMed 16728546 (cited by Women's Health and Genetics/Laboratory Corporation of America, LabCorp); PubMed 1869518 (cited by Women's Health and Genetics/Laboratory Corporation of America, LabCorp); PubMed 28275658 (cited by Women's Health and Genetics/Laboratory Corporation of America, LabCorp); PubMed 20301350 (cited by Dasa); PubMed 2620669 (cited by Dasa); PubMed 29035424 (cited by Dasa); PubMed 19169499 (cited by Dasa).